The following is an entry in ClinVar:

ClinVar aggregate classification (germline): Uncertain significance (1 of 4 stars; one submission).

Conditions:
Immunodeficiency 67. Also called: Immunodeficiency due to interleukin-1 receptor-associated kinase-4 deficiency. Identifiers: Orphanet 70592, MedGen C1843256, MONDO:0011888, OMIM 607676.

Allele frequency attached by ClinVar (database versions not stated): gnomAD exomes 0.00001 and 0.00004; ExAC 0.00005; ESP Exome Variant Server 0.00015; gnomAD 0.00019 and 0.00021; TOPMed 0.00027.
gnomAD v4.1: 45 of 1,613,606 alleles (0.0028%); highest among the groups gnomAD compares: African/African-American, 0.051%; no homozygotes.

Submission:

Labcorp Genetics (formerly Invitae), Labcorp
Classification: Uncertain significance for Immunodeficiency 67. Last evaluated: 2024-10-29. Review status: criteria provided, single submitter. Criteria: Invitae Variant Classification Sherloc (09022015). Collection method: clinical testing. Allele origin: germline.
Comment: This sequence change replaces arginine, which is basic and polar, with tryptophan, which is neutral and slightly polar, at codon 20 of the IRAK4 protein (p.Arg20Trp). This variant is present in population databases (rs143625818, gnomAD 0.04%). This variant has not been reported in the literature in individuals affected with IRAK4-related conditions. ClinVar contains an entry for this variant (Variation ID: 948802). Invitae Evidence Modeling of protein sequence and biophysical properties (such as structural, functional, and spatial information, amino acid conservation, physicochemical variation, residue mobility, and thermodynamic stability) indicates that this missense variant is not expected to disrupt IRAK4 protein function with a negative predictive value of 80%. Experimental studies are conflicting or provide insufficient evidence to determine the effect of this variant on IRAK4 function (PMID: 24316379, 33083971). In summary, the available evidence is currently insufficient to determine the role of this variant in disease. Therefore, it has been classified as a Variant of Uncertain Significance.

Literature cited by the submitters: PubMed 24316379; PubMed 33083971.

NM_016123.4(IRAK4):c.58A>T (p.Arg20Trp)

Gene: IRAK4 (interleukin 1 receptor associated kinase 4; plus strand). Cytogenetic location: 12q12.
Variant type: single nucleotide variant.
Coding change: c.58A>T on transcript NM_016123.4 (MANE Select); coding-DNA position 58, A replaced by T.
Protein change: p.Arg20Trp; replaces arginine 20 with tryptophan.
Molecular consequence: missense variant. On other transcripts: 5 prime UTR variant (8), intron variant (2).
Genome position (GRCh38, 1-based): chr12:43,768,169, A>T. VCF-style: chr12-43768169-A-T. GRCh37 (hg19) VCF-style: chr12-44161972-A-T.
Other names: c.58A>T, p.Arg20Trp (NM_001114182.3, NM_001351345.2); c.-169A>T (NM_001145256.2, NM_001145257.2, NM_001351338.2); c.-382A>T (NM_001351339.2, NM_001351340.2, NM_001351341.2); c.-320A>T (NM_001351343.2, NM_001351344.2); c.-278-2869A>T (NM_001351342.2); c.-65-4011A>T (NM_001145258.2); short protein forms R20W.
Identifiers: ClinVar variation 948802 (VCV000948802.8), dbSNP rs143625818, ClinGen allele CA6522269.
Genomic context (GRCh38, chr12:43,768,169, plus strand): 5'-AAGATGAACAAACCCATAACACCATCAACATATGTGCGCTGCCTCAATGTTGGACTAATT[A>T]GGAAGCTGTCAGATTTTATTGATCCTCAAGAAGGATGGAAGAAGTTAGCTGTAGCTATTA-3'
Protein context (NP_057207.2, residues 10-30): YVRCLNVGLI[Arg20Trp]KLSDFIDPQE